The following is an entry in ClinVar:

ClinVar aggregate classification (germline): Uncertain significance. Review status: criteria provided, multiple submitters, no conflicts (2 of 4 stars). 2 submissions from 2 submitters: Uncertain significance (2). Last evaluated 2025-12-15.

Conditions:
Inborn genetic diseases. Identifiers: MedGen C0950123, MeSH D030342.

Allele frequency attached by ClinVar (database versions not stated): gnomAD exomes below 0.00001; gnomAD 0.00001; TOPMed 0.00004.
gnomAD v4.1: 6 of 1,613,112 alleles (0.00037%); highest among the groups gnomAD compares: Admixed American, 0.0017%; no homozygotes.

Submissions (2):

Ambry Genetics
Classification: Uncertain significance for Inborn genetic diseases. Last evaluated: 2025-12-15. Review status: criteria provided, single submitter. Criteria: Ambry Variant Classification Scheme 2023. Collection method: clinical testing. Allele origin: germline.

Labcorp Genetics (formerly Invitae), Labcorp
Classification: Uncertain significance. Last evaluated: 2024-10-29. Review status: criteria provided, single submitter. Criteria: Invitae Variant Classification Sherloc (09022015). Collection method: clinical testing. Allele origin: germline.
Comment: This sequence change replaces arginine, which is basic and polar, with histidine, which is basic and polar, at codon 731 of the MPDZ protein (p.Arg731His). This variant is not present in population databases (gnomAD no frequency). This variant has not been reported in the literature in individuals affected with MPDZ-related conditions. ClinVar contains an entry for this variant (Variation ID: 1939653). An algorithm developed to predict the effect of missense changes on protein structure and function (PolyPhen-2) suggests that this variant is likely to be disruptive. In summary, the available evidence is currently insufficient to determine the role of this variant in disease. Therefore, it has been classified as a Variant of Uncertain Significance.

NM_001378778.1(MPDZ):c.2192G>A (p.Arg731His)

Gene: MPDZ (multiple PDZ domain crumbs cell polarity complex component; minus strand). Cytogenetic location: 9p23.
Variant type: single nucleotide variant.
Coding change: c.2192G>A on transcript NM_001378778.1 (MANE Select); coding-DNA position 2192, G replaced by A.
Protein change: p.Arg731His; replaces arginine 731 with histidine.
Molecular consequence: missense variant.
Genome position (GRCh38, 1-based): chr9:13,188,956, C>T on the plus strand (G>A on the coding strand, the complement: MPDZ is on the minus strand). VCF-style: chr9-13188956-C-T. GRCh37 (hg19) VCF-style: chr9-13188955-C-T.
Other names: c.2192G>A, p.Arg731His (NM_001375420.1, NM_001375421.1, NM_001375422.1 and 14 more transcripts); c.2192G>A (NM_003829.3); short protein forms R731H.
Identifiers: ClinVar variation 1939653 (VCV001939653.5), dbSNP rs1188881766, ClinGen allele CA372937803.